The following is an entry in ClinVar:

NM_001312909.2(FAM111A):c.1111A>G (p.Thr371Ala)

Gene: FAM111A (FAM111 trypsin like peptidase A; plus strand). Cytogenetic location: 11q12.1.
Variant type: single nucleotide variant.
Coding change: c.1111A>G on transcript NM_001312909.2 (MANE Select); coding-DNA position 1111, A replaced by G.
Protein change: p.Thr371Ala; replaces threonine 371 with alanine.
Molecular consequence: missense variant.
Genome position (GRCh38, 1-based): chr11:59,152,779, A>G. VCF-style: chr11-59152779-A-G. GRCh37 (hg19) VCF-style: chr11-58920252-A-G.
Other names: c.1111A>G, p.Thr371Ala (NM_001142519.3, NM_001142520.3, NM_001142521.3 and 29 more transcripts); short protein forms T371A.
Identifiers: ClinVar variation 744249 (VCV000744249.11), dbSNP rs143839121, ClinGen allele CA6016710.
Genomic context (GRCh38, chr11:59,152,779, plus strand): 5'-GTACGTCTCAGTGACTCAGTTGGGTACTTATTCTGGGACAGTGCAACTACGGGTTACGCC[A>G]CCTGCTTTGTTTTTAAAGGATTGTTCATTTTAACTTGTCGGCATGTAATAGATAGCATTG-3'
Protein context (NP_001299838.1, residues 361-381): FWDSATTGYA[Thr371Ala]CFVFKGLFIL

ClinVar aggregate classification (germline): Benign. Review status: criteria provided, multiple submitters, no conflicts (2 of 4 stars). 3 submissions from 3 submitters: Benign (3). Last evaluated 2026-08-20.

Conditions:
FAM111A-related disorder. Also called: FAM111A-related condition.

Allele frequency attached by ClinVar (database versions not stated): TOPMed 0.00008; 1000 Genomes Project 30x 0.00265; 1000 Genomes Project 0.00280.
gnomAD v4.1: 958 of 1,614,188 alleles (0.059%); highest among the groups gnomAD compares: South Asian, 0.99%; 11 homozygotes.

Submissions (3):

PreventionGenetics, part of Exact Sciences
Classification: Benign for FAM111A-related condition. Last evaluated: 2026-08-20. Review status: criteria provided, single submitter. Criteria: ACMG Guidelines, 2015. Collection method: clinical testing. Allele origin: germline.
Comment: This variant is classified as benign based on ACMG/AMP sequence variant interpretation guidelines (Richards et al. 2015 PMID: 25741868, with internal and published modifications).

Labcorp Genetics (formerly Invitae), Labcorp
Classification: Benign. Last evaluated: 2025-07-25. Review status: criteria provided, single submitter. Criteria: Invitae Variant Classification Sherloc (09022015). Collection method: clinical testing. Allele origin: germline.

Blueprint Genetics
Classification: Benign. Last evaluated: 2024-07-10. Review status: criteria provided, single submitter. Criteria: ACMG Guidelines, 2015. Collection method: clinical testing. Allele origin: germline.